The following is an entry in ClinVar:

NM_001354604.2(MITF):c.1031+14C>T

Gene: MITF (melanocyte inducing transcription factor; plus strand). Cytogenetic location: 3p13.
Variant type: single nucleotide variant.
Coding change: c.1031+14C>T on transcript NM_001354604.2 (MANE Select); 14 bases into the intron after coding-DNA position 1031, C replaced by T.
Molecular consequence: intron variant.
Genome position (GRCh38, 1-based): chr3:69,956,544, C>T. VCF-style: chr3-69956544-C-T. GRCh37 (hg19) VCF-style: chr3-70005695-C-T.
Other names: c.962+14C>T (NM_001354607.2); c.857+14C>T (NM_001354608.2, NM_001184967.2); c.1013+14C>T (NM_198159.3); c.1028+14C>T (NM_001354605.2); c.1010+14C>T (NM_001354606.2, NM_006722.3); c.965+14C>T (NM_198177.3); c.710+14C>T (NM_000248.4); c.692+14C>T (NM_198158.3); and 1 more.
Identifiers: ClinVar variation 901510 (VCV000901510.14), dbSNP rs201353723, ClinGen allele CA2490534.

ClinVar aggregate classification (germline): Conflicting classifications of pathogenicity. Review status: criteria provided, conflicting classifications (1 of 4 stars). 6 submissions from 5 submitters: Uncertain significance (1); Benign (3); Likely benign (2). Last evaluated 2026-02-03.

Conditions:
Tietz syndrome (TADS). Also called: TIETZ ALBINISM-DEAFNESS SYNDROME; HYPOPIGMENTATION/DEAFNESS OF TIETZ; ALBINISM-DEAFNESS OF TIETZ. Identifiers: Orphanet 42665, MedGen C0391816, MONDO:0007077, OMIM 103500.
Waardenburg syndrome type 2A (WS2A). Also called: WAARDENBURG SYNDROME WITHOUT DYSTOPIA CANTHORUM. Identifiers: Orphanet 3440, MedGen C1860339, MONDO:0008671, OMIM 193510.
Melanoma, cutaneous malignant, susceptibility to, 8. Also called: Cutaneous malignant melanoma 8; MELANOMA AND RENAL CELL CARCINOMA, SUSCEPTIBILITY TO. Identifiers: Orphanet 293822, MedGen C3152204, MONDO:0013759, OMIM 614456.
Familial melanoma. Also called: Hereditary melanoma; Hereditary cutaneous melanoma. Identifiers: Orphanet 618, MedGen C1512419, MONDO:0018961.

Allele frequency attached by ClinVar (database versions not stated): 1000 Genomes Project 0.00020; 1000 Genomes Project 30x 0.00031; TOPMed 0.00056; gnomAD exomes 0.00067 and 0.00076; gnomAD 0.00074 and 0.00077; ExAC 0.00075; ESP Exome Variant Server 0.00085.
gnomAD v4.1: 1,089 of 1,597,706 alleles (0.068%); highest among the groups gnomAD compares: Non-Finnish European, 0.078%; 2 homozygotes.

Submissions (6):

Labcorp Genetics (formerly Invitae), Labcorp
Classification: Benign for Melanoma, cutaneous malignant, susceptibility to, 8; Waardenburg syndrome type 2A; Tietz syndrome. Last evaluated: 2026-02-03. Review status: criteria provided, single submitter. Criteria: Invitae Variant Classification Sherloc (09022015). Collection method: clinical testing. Allele origin: germline.

Blueprint Genetics
Classification: Likely benign. Last evaluated: 2024-11-18. Review status: criteria provided, single submitter. Criteria: ACMG Guidelines, 2015. Collection method: clinical testing. Allele origin: germline.

Department of Pathology and Laboratory Medicine, Sinai Health System
Classification: Likely benign for Familial melanoma. Last evaluated: 2024-01-11. Review status: criteria provided, single submitter. Criteria: ACMG Guidelines, 2015. Collection method: clinical testing. Allele origin: germline. Affected: yes.

Institute for Clinical Genetics, University Hospital TU Dresden, University Hospital TU Dresden
Classification: Uncertain significance. Last evaluated: 2021-11-03. Review status: criteria provided, single submitter. Criteria: ACMG Guidelines, 2015. Collection method: clinical testing. Allele origin: germline.

Illumina Laboratory Services, Illumina
Classification: Benign for Tietz syndrome. Last evaluated: 2018-01-12. Review status: criteria provided, single submitter. Criteria: ICSL Variant Classification Criteria 13 December 2019. Collection method: clinical testing. Allele origin: germline.
Comment: This variant was observed in the ICSL laboratory as part of a predisposition screen in an ostensibly healthy population. It had not been previously curated by ICSL or reported in the Human Gene Mutation Database (HGMD: prior to June 1st, 2018), and was therefore a candidate for classification through an automated scoring system. Utilizing variant allele frequency, disease prevalence and penetrance estimates, and inheritance mode, an automated score was calculated to assess if this variant is too frequent to cause the disease. Based on the score and internal cut-off values, a variant classified as benign is not then subjected to further curation. The score for this variant resulted in a classification of benign for this disease.

Illumina Laboratory Services, Illumina
Classification: Benign for Waardenburg syndrome type 2A. Last evaluated: 2018-01-12. Review status: criteria provided, single submitter. Criteria: ICSL Variant Classification Criteria 13 December 2019. Collection method: clinical testing. Allele origin: germline.
Comment: the same text as in the submission from Illumina Laboratory Services, Illumina above.